The following is an entry in ClinVar:

ClinVar aggregate classification (germline): Uncertain significance (1 of 4 stars; one submission).

Allele frequency attached by ClinVar (database versions not stated): gnomAD exomes below 0.00001.

Submission:

Ambry Genetics
Classification: Uncertain significance. Last evaluated: 2023-11-22. Review status: criteria provided, single submitter. Criteria: Ambry Variant Classification Scheme 2023. Collection method: clinical testing. Allele origin: germline.
Comment: The p.L333F variant (also known as c.997C>T), located in coding exon 9 of the RAD54L gene, results from a C to T substitution at nucleotide position 997. The leucine at codon 333 is replaced by phenylalanine, an amino acid with highly similar properties. This amino acid position is conserved. In addition, this alteration is predicted to be deleterious by in silico analysis. Since supporting evidence is limited at this time, the clinical significance of this alteration remains unclear.

NM_003579.4(RAD54L):c.997C>T (p.Leu333Phe)

Gene: RAD54L (RAD54 like; plus strand). Cytogenetic location: 1p34.1.
Variant type: single nucleotide variant.
Coding change: c.997C>T on transcript NM_003579.4 (MANE Select); coding-DNA position 997, C replaced by T.
Protein change: p.Leu333Phe; replaces leucine 333 with phenylalanine.
Molecular consequence: missense variant.
Genome position (GRCh38, 1-based): chr1:46,267,564, C>T. VCF-style: chr1-46267564-C-T. GRCh37 (hg19) VCF-style: chr1-46733236-C-T.
Other names: c.997C>T, p.Leu333Phe (NM_001142548.2); c.457C>T, p.Leu153Phe (NM_001370766.1); short protein forms L153F, L333F.
Identifiers: ClinVar variation 3223475 (VCV003223475.1), dbSNP rs2148295117, ClinGen allele CA340192534.